The following is an entry in ClinVar:

ClinVar aggregate classification (germline): Pathogenic (1 of 4 stars; one submission).

Conditions:
Bloom syndrome (BLM). Also called: Bloom-Torre-Machacek syndrome. Identifiers: Orphanet 125, MedGen C0005859, MONDO:0008876, OMIM 210900.

Submission:

Labcorp Genetics (formerly Invitae), Labcorp
Classification: Pathogenic for Bloom syndrome. Last evaluated: 2025-05-21. Review status: criteria provided, single submitter. Criteria: Invitae Variant Classification Sherloc (09022015). Collection method: clinical testing. Allele origin: germline.
Comment: This sequence change creates a premature translational stop signal (p.Gln844*) in the BLM gene. It is expected to result in an absent or disrupted protein product. Loss-of-function variants in BLM are known to be pathogenic (PMID: 17407155). This variant is not present in population databases (gnomAD no frequency). This variant has not been reported in the literature in individuals affected with BLM-related conditions. For these reasons, this variant has been classified as Pathogenic.

Literature cited by the submitters: PubMed 17407155.

NM_000057.4(BLM):c.2530C>T (p.Gln844Ter)

Gene: BLM (BLM RecQ like helicase; plus strand). Cytogenetic location: 15q26.1.
Variant type: single nucleotide variant.
Coding change: c.2530C>T on transcript NM_000057.4 (MANE Select); coding-DNA position 2530, C replaced by T.
Protein change: p.Gln844Ter; replaces glutamine 844 with a stop codon.
Molecular consequence: nonsense.
Genome position (GRCh38, 1-based): chr15:90,769,561, C>T. VCF-style: chr15-90769561-C-T. GRCh37 (hg19) VCF-style: chr15-91312791-C-T.
Other names: c.2530C>T, p.Gln844Ter (NM_001287246.2, NM_001287247.2); c.1405C>T, p.Gln469Ter (NM_001287248.2); short protein forms Q469*, Q844*.
Identifiers: ClinVar variation 4804473 (VCV004804473.1).